The following is an entry in ClinVar:

ClinVar aggregate classification (germline): Likely benign. Review status: criteria provided, multiple submitters, no conflicts (2 of 4 stars). 2 submissions from 2 submitters: Likely benign (2). Last evaluated 2025-04-20.

Conditions:
Autosomal dominant childhood-onset proximal spinal muscular atrophy with contractures (SMALED2A). Also called: Spinal muscular atrophy, lower extremity-predominant, 2A, autosomal dominant; SPINAL MUSCULAR ATROPHY, LOWER EXTREMITY-PREDOMINANT, 2A, CHILDHOOD ONSET, AUTOSOMAL DOMINANT. Identifiers: Orphanet 363447, Orphanet 363454, MedGen C4747715, MONDO:0014121, OMIM 615290.

Allele frequency attached by ClinVar (database versions not stated): ExAC 0.00001; TOPMed 0.00002; gnomAD exomes 0.00003 and 0.00004; gnomAD 0.00004.

Submissions (2):

Labcorp Genetics (formerly Invitae), Labcorp
Classification: Likely benign for Autosomal dominant childhood-onset proximal spinal muscular atrophy with contractures. Last evaluated: 2025-04-20. Review status: criteria provided, single submitter. Criteria: Invitae Variant Classification Sherloc (09022015). Collection method: clinical testing. Allele origin: germline.

CeGaT Center for Human Genetics Tuebingen
Classification: Likely benign. Last evaluated: 2024-07-01. Review status: criteria provided, single submitter. Criteria: CeGaT Center For Human Genetics Tuebingen Variant Classification Criteria Version 2. Collection method: clinical testing. Allele origin: germline. Affected: yes. Observed: 1 variant allele.
Comment: BICD2: BP4, BP7

NM_001003800.2(BICD2):c.285C>T (p.Asp95=)

Gene: BICD2 (BICD cargo adaptor 2; minus strand). Cytogenetic location: 9q22.31.
Variant type: single nucleotide variant.
Coding change: c.285C>T on transcript NM_001003800.2 (MANE Select); coding-DNA position 285, C replaced by T.
Protein change: p.Asp95=; no amino-acid change (aspartic acid 95 retained).
Molecular consequence: synonymous variant.
Genome position (GRCh38, 1-based): chr9:92,729,192, G>A on the plus strand (C>T on the coding strand, the complement: BICD2 is on the minus strand). VCF-style: chr9-92729192-G-A. GRCh37 (hg19) VCF-style: chr9-95491474-G-A.
Other names: c.285C>T, p.Asp95= (NM_015250.4).
Identifiers: ClinVar variation 1117425 (VCV001117425.26), dbSNP rs770839094, ClinGen allele CA5126851.